The following is an entry in ClinVar:

NM_144643.4(SCLT1):c.965T>C (p.Leu322Ser)

Gene: SCLT1 (sodium channel and clathrin linker 1; minus strand). Cytogenetic location: 4q28.2.
Variant type: single nucleotide variant.
Coding change: c.965T>C on transcript NM_144643.4 (MANE Select); coding-DNA position 965, T replaced by C.
Protein change: p.Leu322Ser; replaces leucine 322 with serine.
Molecular consequence: missense variant.
Genome position (GRCh38, 1-based): chr4:128,959,682, A>G on the plus strand (T>C on the coding strand, the complement: SCLT1 is on the minus strand). VCF-style: chr4-128959682-A-G. GRCh37 (hg19) VCF-style: chr4-129880837-A-G.
Other names: c.965T>C, p.Leu322Ser (NM_001410807.1); short protein forms L322S.
Identifiers: ClinVar variation 4981392 (VCV004981392.1).

ClinVar aggregate classification (germline): Uncertain significance (1 of 4 stars; one submission).

Conditions:
SCLT1-related disorder. Also called: SCLT1-related condition.

Submission:

PreventionGenetics, part of Exact Sciences
Classification: Uncertain significance for SCLT1-related condition. Last evaluated: 2025-06-25. Review status: criteria provided, single submitter. Criteria: ACMG Guidelines, 2015. Collection method: clinical testing. Allele origin: germline.
Comment: The SCLT1 c.965T>C variant is predicted to result in the amino acid substitution p.Leu322Ser. To our knowledge, this variant has not been reported in the literature. This variant is reported in 0.013% of alleles in individuals of South Asian descent in gnomAD. At this time, the clinical significance of this variant is uncertain due to the absence of conclusive functional and genetic evidence.